The following is an entry in ClinVar:

ClinVar aggregate classification (germline): Benign. Review status: criteria provided, multiple submitters, no conflicts (2 of 4 stars). 2 submissions from 2 submitters: Benign (2). Last evaluated 2024-01-24.

Submissions (2):

Unidad de Genómica Garrahan, Hospital de Pediatría Garrahan
Classification: Benign. Last evaluated: 2024-01-24. Review status: criteria provided, single submitter. Criteria: ACMG Guidelines, 2015. Collection method: clinical testing. Allele origin: germline. Affected: no. Observed: 19 variant alleles.
Comment: This variant is classified as Benign based on local population frequency. This variant was detected in 20% of patients studied by a panel of primary immunodeficiencies. Number of patients: 19. Only high quality variants are reported.

GeneDx
Classification: Benign. Last evaluated: 2019-08-24. Review status: criteria provided, single submitter. Criteria: GeneDx Variant Classification Process June 2021. Collection method: clinical testing. Allele origin: germline. Affected: yes.

NM_020964.3(EPG5):c.4329+36_4329+37del

Gene: EPG5 (ectopic P-granules 5 autophagy tethering factor; minus strand). Cytogenetic location: 18q21.1.
Variant type: Deletion.
Coding change: c.4329+36_4329+37del on transcript NM_020964.3 (MANE Select); bases 36 to 37 of the intron after coding-DNA position 4329, 2 bases deleted (TT; older notation c.4329+36_4329+37delTT).
Molecular consequence: intron variant.
Genome position (GRCh38, 1-based): chr18:45,907,921-45,907,922, AA deleted on the plus strand (TT on the coding strand, the reverse complement: EPG5 is on the minus strand); deleting any 2 consecutive bases within chr18:45,907,921-45,907,939 gives the same sequence; the c. name uses the placement nearest the transcript's 3' end. VCF-style (leftmost placement, unchanged base first): chr18-45907920-TAA-T. GRCh37 (hg19) VCF-style: chr18-43487885-TAA-T.
Identifiers: ClinVar variation 1277549 (VCV001277549.3), dbSNP rs542412749, ClinGen allele CA8948901.